The following is an entry in ClinVar:

ClinVar aggregate classification (germline): Benign. Review status: criteria provided, multiple submitters, no conflicts (2 of 4 stars). 2 submissions from 2 submitters: Benign (2). Last evaluated 2018-06-14.

Allele frequency attached by ClinVar (database versions not stated): ESP Exome Variant Server 0.16983; gnomAD exomes 0.18270 and 0.20469; gnomAD 0.18940 and 0.19281; TOPMed 0.19572; ExAC 0.20255; 1000 Genomes Project 30x 0.24656; 1000 Genomes Project 0.24860.
gnomAD v4.1: 170,633 of 926,446 alleles (18%); highest among the groups gnomAD compares: East Asian, 45%; 18,017 homozygotes.

Submissions (2):

GeneDx
Classification: Benign. Last evaluated: 2018-06-14. Review status: criteria provided, single submitter. Criteria: GeneDx Variant Classification (06012015). Collection method: clinical testing. Allele origin: germline. Affected: yes.
Comment: This variant is considered likely benign or benign based on one or more of the following criteria: it is a conservative change, it occurs at a poorly conserved position in the protein, it is predicted to be benign by multiple in silico algorithms, and/or has population frequency not consistent with disease.

Breakthrough Genomics
Classification: Benign. Review status: criteria provided, single submitter. Criteria: ACMG Guidelines, 2015. Collection method: not provided. Allele origin: germline. Inheritance: Autosomal dominant inheritance. Affected: yes.

NM_006939.4(SOS2):c.2959-38T>A

Gene: SOS2 (SOS Ras/Rho guanine nucleotide exchange factor 2; minus strand). Cytogenetic location: 14q21.3.
Variant type: single nucleotide variant.
Coding change: c.2959-38T>A on transcript NM_006939.4 (MANE Select); 38 bases into the intron before coding-DNA position 2959, T replaced by A.
Molecular consequence: intron variant.
Genome position (GRCh38, 1-based): chr14:50,134,277, A>T on the plus strand (T>A on the coding strand, the complement: SOS2 is on the minus strand). VCF-style: chr14-50134277-A-T. GRCh37 (hg19) VCF-style: chr14-50600995-A-T.
Identifiers: ClinVar variation 561544 (VCV000561544.2), dbSNP rs28565912, ClinGen allele CA7176910.